The following is an entry in ClinVar:

ClinVar aggregate classification (germline): Pathogenic/Likely pathogenic. Review status: criteria provided, multiple submitters, no conflicts (2 of 4 stars). 3 submissions from 3 submitters: Pathogenic (1); Likely pathogenic (2). Last evaluated 2025-04-03.

Conditions:
Leber congenital amaurosis (LCA). Also called: Leber's amaurosis. Identifiers: Orphanet 65, MedGen C0339527, MeSH D057130, MONDO:0018998.
Joubert syndrome. Also called: CEREBELLOPARENCHYMAL DISORDER IV; JOUBERT-BOLTSHAUSER SYNDROME; Familial aplasia of the vermis. Identifiers: Orphanet 475, MedGen C5979921, MONDO:0018772.
Meckel-Gruber syndrome. Also called: DYSENCEPHALIA SPLANCHNOCYSTICA; GRUBER SYNDROME; Dysencephalia splachnocystica. Identifiers: Orphanet 564, MedGen C0265215, MONDO:0018921.
Nephronophthisis. Also called: Juvenile Nephronophthisis. Identifiers: Orphanet 655, MedGen C0687120, MONDO:0019005, HP:0000090.
Bardet-Biedl syndrome 14 (BBS14). Identifiers: Orphanet 110, MedGen C2673874, MONDO:0014442, OMIM 615991.

Allele frequency attached by ClinVar (database versions not stated): TOPMed below 0.00001.

Submissions (3):

Natera, Inc.
Classification: Likely pathogenic for Leber congenital amaurosis. Last evaluated: 2025-04-03. Review status: criteria provided, single submitter. Criteria: Natera Variant Classification Schema (03/2026). Collection method: clinical testing. Allele origin: germline.
Comment: The c.5029_5030delGA variant in CEP290 is a frameshift variant predicted to shift the reading frame beginning at codon 1677 and leads to a stop codon 2 codons downstream. This variant is expected to result in nonsense mediated decay, truncation, or a dysfunctional protein product. This variant is rare in the general population with a frequency below the threshold expected for the associated phenotype(s). Given the available evidence, this variant is classified as Likely Pathogenic.

Baylor Genetics
Classification: Likely pathogenic for Bardet-Biedl syndrome 14. Last evaluated: 2024-03-07. Review status: criteria provided, single submitter. Criteria: ACMG Guidelines, 2015. Collection method: clinical testing. Allele origin: unknown.

Labcorp Genetics (formerly Invitae), Labcorp
Classification: Pathogenic for Joubert syndrome; Meckel-Gruber syndrome; Nephronophthisis. Last evaluated: 2022-10-05. Review status: criteria provided, single submitter. Criteria: Invitae Variant Classification Sherloc (09022015). Collection method: clinical testing. Allele origin: germline.
Comment: For these reasons, this variant has been classified as Pathogenic. This variant has not been reported in the literature in individuals affected with CEP290-related conditions. This variant is not present in population databases (gnomAD no frequency). This sequence change creates a premature translational stop signal (p.Glu1677Argfs*2) in the CEP290 gene. It is expected to result in an absent or disrupted protein product. Loss-of-function variants in CEP290 are known to be pathogenic (PMID: 16909394, 17345604, 20690115).

Literature cited by the submitters: PubMed 16909394 (cited by Labcorp Genetics (formerly Invitae), Labcorp); PubMed 17345604 (cited by Labcorp Genetics (formerly Invitae), Labcorp); PubMed 20690115 (cited by Labcorp Genetics (formerly Invitae), Labcorp).

NM_025114.4(CEP290):c.5029_5030del (p.Glu1677fs)

Gene: CEP290 (centrosomal protein 290; minus strand). Cytogenetic location: 12q21.32.
Variant type: Deletion.
Coding change: c.5029_5030del on transcript NM_025114.4 (MANE Select); coding-DNA positions 5029 to 5030, 2 bases deleted (GA; older notation c.5029_5030delGA).
Protein change: p.Glu1677fs; shifts the reading frame from glutamic acid 1677.
Molecular consequence: frameshift variant.
Genome position (GRCh38, 1-based): chr12:88,080,378-88,080,379, TC deleted on the plus strand (GA on the coding strand, the reverse complement: CEP290 is on the minus strand). VCF-style (leftmost placement, unchanged base first): chr12-88080377-TTC-T. GRCh37 (hg19) VCF-style: chr12-88474154-TTC-T.
Other names: c.5029_5030delGA (NM_025114.3); short protein forms E1677fs.
Identifiers: ClinVar variation 1947119 (VCV001947119.7), dbSNP rs2036111540, ClinGen allele CA2052902348.